The following is an entry in ClinVar:

NM_000051.4(ATM):c.8850+60A>G

Genes: ATM (ATM serine/threonine kinase; plus strand), C11orf65 (chromosome 11 open reading frame 65; minus strand). Cytogenetic location: 11q22.3.
Variant type: single nucleotide variant.
Coding change: c.8850+60A>G on transcript NM_000051.4 (MANE Select); 60 bases into the intron after coding-DNA position 8850, A replaced by G.
Molecular consequence: intron variant. On other transcripts: non-coding transcript variant (1).
Genome position (GRCh38, 1-based): chr11:108,354,934, A>G. VCF-style: chr11-108354934-A-G. GRCh37 (hg19) VCF-style: chr11-108225661-A-G.
Other names: c.8850+60A>G (NM_001351834.2); c.640+30986T>C (NM_001330368.2); c.695-19642T>C (NM_001351110.2).
Identifiers: ClinVar variation 1169174 (VCV001169174.18), dbSNP rs664143, ClinGen allele CA15686553.

ClinVar aggregate classification (germline): Benign. Review status: criteria provided, multiple submitters, no conflicts (2 of 4 stars). 7 submissions from 7 submitters: Benign (5). 2 of the submissions do not count toward it. Last evaluated 2026-02-02.

Conditions:
Hereditary breast ovarian cancer syndrome. Also called: Hereditary breast and/or ovarian cancer syndrome; Hereditary breast and ovarian cancer; BRCA1- and BRCA2-Associated Hereditary Breast and Ovarian Cancer; Hereditary breast and ovarian cancer syndrome (HBOC); Breast and ovarian cancer; Hereditary breast and ovarian cancer syndrome. Identifiers: Orphanet 145, MedGen C0677776, MeSH D061325, MONDO:0003582. Disease mechanism: loss of function.
Ataxia-telangiectasia syndrome (AT). Also called: Ataxia telangiectasia (A-T); ATAXIA-TELANGIECTASIA, COMPLEMENTATION GROUP A; ATAXIA-TELANGIECTASIA, FRESNO VARIANT; Ataxia-telangiectasia; Ataxia-telangiectasia, complementation group E; LOUIS-BAR SYNDROME. Identifiers: Orphanet 100, MedGen C0004135, MONDO:0008840, OMIM 208900.

Allele frequency attached by ClinVar (database versions not stated): ESP Exome Variant Server 0.60228; gnomAD 0.61921; 1000 Genomes Project 0.62819; 1000 Genomes Project 30x 0.63257; TOPMed 0.61959.
gnomAD v4.1: 815,622 of 1,389,134 alleles (59%); highest among the groups gnomAD compares: Middle Eastern, 75%; 241,429 homozygotes.

Submissions (7):

Labcorp Genetics (formerly Invitae), Labcorp
Classification: Benign for Ataxia-telangiectasia syndrome. Last evaluated: 2026-02-02. Review status: criteria provided, single submitter. Criteria: Invitae Variant Classification Sherloc (09022015). Collection method: clinical testing. Allele origin: germline.

Unidad de Genómica Garrahan, Hospital de Pediatría Garrahan
Classification: Benign. Last evaluated: 2023-11-12. Review status: criteria provided, single submitter. Criteria: ACMG Guidelines, 2015. Collection method: clinical testing. Allele origin: germline. Affected: no. Observed: 67 variant alleles.
Comment: This variant is classified as Benign based on local population frequency. This variant was detected in 70% of patients studied by a panel of primary immunodeficiencies. Number of patients: 67. Only high quality variants are reported.

National Health Laboratory Service, Universitas Academic Hospital and University of the Free State
Classification: Benign for Hereditary breast ovarian cancer syndrome. Last evaluated: 2022-04-19. Review status: criteria provided, single submitter. Criteria: ACMG Guidelines, 2015. Collection method: clinical testing. Allele origin: germline. Affected: yes. Observed: 239 variant alleles.

GeneDx
Classification: Benign. Last evaluated: 2015-03-03. Review status: criteria provided, single submitter. Criteria: GeneDx Variant Classification Process June 2021. Collection method: clinical testing. Allele origin: germline. Affected: yes.
Comment: This variant is associated with the following publications: (PMID: 16497724)

Breakthrough Genomics
Classification: Benign. Review status: criteria provided, single submitter. Criteria: ACMG Guidelines, 2015. Collection method: not provided. Allele origin: germline. Inheritance: Autosomal recessive inheritance. Affected: yes.

Clinical Genetics Laboratory, Department of Pathology, Netherlands Cancer Institute
Classification: Benign. Review status: no assertion criteria provided. Collection method: clinical testing. Allele origin: germline. Affected: yes. Study: VKGL Data-share Consensus. Not counted in ClinVar's aggregate classification.

Joint Genome Diagnostic Labs from Nijmegen and Maastricht, Radboudumc and MUMC+
Classification: Benign. Review status: no assertion criteria provided. Collection method: clinical testing. Allele origin: germline. Affected: yes. Study: VKGL Data-share Consensus. Not counted in ClinVar's aggregate classification.